The following is an entry in ClinVar:

NM_001243279.3(ACSF3):c.-22G>C

Gene: ACSF3 (acyl-CoA synthetase family member 3; plus strand). Cytogenetic location: 16q24.3.
Variant type: single nucleotide variant.
Coding change: c.-22G>C on transcript NM_001243279.3 (MANE Select); 22 bases upstream of the start codon, G replaced by C.
Molecular consequence: 5 prime UTR variant. On other transcripts: non-coding transcript variant (3), intron variant (2).
Genome position (GRCh38, 1-based): chr16:89,098,762, G>C. VCF-style: chr16-89098762-G-C. GRCh37 (hg19) VCF-style: chr16-89165170-G-C.
Other names: c.-22G>C (NM_174917.5); c.-20-1900G>C (NM_001127214.4); c.-129-3842G>C (NM_001284316.2).
Identifiers: ClinVar variation 386917 (VCV000386917.1), dbSNP rs575978814, ClinGen allele CA8237464.

ClinVar aggregate classification (germline): Likely benign (1 of 4 stars; one submission).

Allele frequency attached by ClinVar (database versions not stated): gnomAD 0.00010 and 0.00012; TOPMed 0.00011; gnomAD exomes 0.00021; ExAC 0.00056.
gnomAD v4.1: 80 of 454,050 alleles (0.018%); highest among the groups gnomAD compares: South Asian, 0.047%; no homozygotes.

Submission:

GeneDx
Classification: Likely benign. Last evaluated: 2017-02-07. Review status: criteria provided, single submitter. Criteria: GeneDx Variant Classification (06012015). Collection method: clinical testing. Allele origin: germline. Affected: yes.
Comment: This variant is considered likely benign or benign based on one or more of the following criteria: it is a conservative change, it occurs at a poorly conserved position in the protein, it is predicted to be benign by multiple in silico algorithms, and/or has population frequency not consistent with disease.